The following is an entry in ClinVar:

NM_004004.6(GJB2):c.576del (p.Val193fs)

Gene: GJB2 (gap junction protein beta 2; minus strand). Cytogenetic location: 13q12.11.
Variant type: Deletion.
Coding change: c.576del on transcript NM_004004.6 (MANE Select); coding-DNA position 576, one base deleted (A; older notation c.576delA).
Protein change: p.Val193fs; shifts the reading frame from valine 193.
Molecular consequence: frameshift variant.
Genome position (GRCh38, 1-based): chr13:20,189,006, T deleted on the plus strand (A on the coding strand, the reverse complement: GJB2 is on the minus strand). VCF-style (leftmost placement, unchanged base first): chr13-20189005-CT-C. GRCh37 (hg19) VCF-style: chr13-20763144-CT-C.
Other names: p.Val193Cysfs*3; c.576del (NM_004004.5); short protein forms V193fs.
Identifiers: ClinVar variation 644162 (VCV000644162.17), dbSNP rs747847191, ClinGen allele CA6904234.

ClinVar aggregate classification (germline): Pathogenic/Likely pathogenic. Review status: criteria provided, multiple submitters, no conflicts (2 of 4 stars). 8 submissions from 8 submitters: Pathogenic (6); Likely pathogenic (2). Last evaluated 2025-03-27.

Conditions:
Autosomal recessive nonsyndromic hearing loss 1A (DFNB1A). Also called: GJB2-Related Autosomal Recessive Nonsyndromic Hearing Loss; GJB6-Related DFNB 1 Nonsyndromic Hearing Loss and Deafness; Deafness, autosomal recessive 1A; Nonsyndromic Hearing Loss and Deafness, DFNB1; Connexin 26 deafness; Deafness nonsyndromic, Connexin 26 linked. Identifiers: Orphanet 90636, MedGen C2673759, MONDO:0009076, OMIM 220290.
Autosomal dominant nonsyndromic hearing loss 3A. Identifiers: Orphanet 90635, MedGen C2675750, MONDO:0011103, OMIM 601544.
Mutilating keratoderma (VOWNKL). Also called: Keratoderma hereditarium mutilans. Identifiers: Orphanet 494, MedGen C0265964, MONDO:0007422, OMIM 124500.
Ichthyosis, hystrix-like, with hearing loss. Also called: Hystrix-like ichthyosis with deafness. Identifiers: Orphanet 477, MedGen C1865234, MONDO:0011245.
X-linked mixed hearing loss with perilymphatic gusher. Also called: NANCE DEAFNESS; PERILYMPHATIC GUSHER-DEAFNESS SYNDROME; SENSORINEURAL DEAFNESS, PROFOUND, WITH OR WITHOUT A CONDUCTIVE COMPONENT, ASSOCIATED WITH A UNIQUE DEVELOPMENTAL ABNORMALITY OF THE EAR; Deafness, X-linked 2; Gusher syndrome. Identifiers: Orphanet 383, MedGen C1844678, MONDO:0010576, OMIM 304400.
Palmoplantar keratoderma-deafness syndrome. Also called: Keratoderma palmoplantar, with deafness; Palmoplantar keratoderma and sensorineural deafness; Hereditary palmoplantar keratoderma with deafness (subtype); Focal palmoplantar keratoderma with sensorineural deafness (subtype); Diffuse palmoplantar keratoderma with deafness (subtype). Identifiers: Orphanet 2202, MedGen C1835672, MONDO:0007852, OMIM 148350.
Knuckle pads, deafness AND leukonychia syndrome. Also called: Bart-Pumphrey syndrome. Identifiers: Orphanet 2698, MedGen C0266004, MONDO:0007866, OMIM 149200.
Autosomal dominant keratitis-ichthyosis-hearing loss syndrome. Also called: Senter syndrome; KID SYNDROME, AUTOSOMAL DOMINANT; HID SYNDROME. Identifiers: Orphanet 477, MedGen C0265336, MONDO:0007850, OMIM 148210.
Nonsyndromic genetic hearing loss. Also called: Non-syndromic genetic deafness; Nonsyndromic hearing loss and deafness; Nonsyndromic genetic deafness. Identifiers: Orphanet 87884, MedGen C5680182, MONDO:0019497.
GJB2-related disorder. Also called: GJB2-related condition; GJB2-related disorders. Identifiers: MedGen CN382183, MONDO:1060236.

Allele frequency attached by ClinVar (database versions not stated): TOPMed below 0.00001; ExAC 0.00001; gnomAD exomes below 0.00001.

Submissions (8):

Myriad Genetics, Inc.
Classification: Pathogenic for Nonsyndromic genetic hearing loss. Last evaluated: 2025-03-27. Review status: criteria provided, single submitter. Criteria: Myriad Autosomal Dominant, Autosomal Recessive and X-Linked Classification Criteria (2023). Collection method: clinical testing. Allele origin: unknown.
Comment: NM_004004.5(GJB2):c.576delA(V193Cfs*3) is a frameshift variant classified as pathogenic in the context of nonsyndromic hearing loss, GJB2-related. V193Cfs*3 has been observed in cases with relevant disease (PMID: 20553101, 12497637, 17666888, 38868966). Relevant functional assessments of this variant are not available in the literature. V193Cfs*3 has not been observed in referenced population frequency databases. In summary, NM_004004.5(GJB2):c.576delA(V193Cfs*3) is a frameshift variant in a gene where loss of function is a known mechanism of disease, is predicted to disrupt protein function, and has been observed more frequently in cases with the relevant disease than in healthy populations. Please note: this variant was assessed in the context of healthy population screening.

GeneDx
Classification: Likely pathogenic. Last evaluated: 2024-07-05. Review status: criteria provided, single submitter. Criteria: GeneDx Variant Classification Process June 2021. Collection method: clinical testing. Allele origin: germline.
Comment: Identified in the heterozygous state in a patient with severe hearing impairment in published literature (PMID: 12497637); Frameshift variant predicted to result in abnormal protein length as the last 34 amino acids are replaced with two different amino acids, and other similar variants have been reported in HGMD; Not observed at significant frequency in large population cohorts (gnomAD); This variant is associated with the following publications: (PMID: 29625052, 12497637, 36451132)

Blueprint Genetics
Classification: Likely pathogenic for GJB2-related disorders. Last evaluated: 2023-12-05. Review status: criteria provided, single submitter. Criteria: ACMG Guidelines, 2015. Collection method: clinical testing. Allele origin: germline. Affected: yes. Observed: 2 variant alleles.

Women's Health and Genetics/Laboratory Corporation of America, LabCorp
Classification: Pathogenic for Nonsyndromic genetic hearing loss. Last evaluated: 2023-04-18. Review status: criteria provided, single submitter. Criteria: LabCorp Variant Classification Summary - May 2015. Collection method: clinical testing. Allele origin: germline.
Comment: Variant summary: GJB2 c.576delA (p.Val193CysfsX3) results in a premature termination codon, predicted to cause a truncation of the encoded protein or absence of the protein due to nonsense mediated decay, which are commonly known mechanisms for disease. At-least one truncation downstream of this position has been classified as pathogenic by our laboratory. The variant allele was found at a frequency of 4e-06 in 251358 control chromosomes (gnomAD). c.576delA has been reported in the literature as heterozygous and bi-allelic genotypes in individuals affected with Non-Syndromic Hearing Loss and hearing-impairment (examples: Zoll_2002, Putcha_2007 and Siem_2010). These data indicate that the variant may be associated with disease. To our knowledge, no experimental evidence demonstrating an impact on protein function has been reported. Three clinical diagnostic laboratories have submitted clinical-significance assessments for this variant to ClinVar after 2014 and all classified the variant as pathogenic. Based on the evidence outlined above, the variant was classified as pathogenic.

Mayo Clinic Laboratories, Mayo Clinic
Classification: Pathogenic. Last evaluated: 2022-05-18. Review status: criteria provided, single submitter. Criteria: ACMG Guidelines, 2015. Collection method: clinical testing. Allele origin: germline. Observed: 1 variant allele.
Comment: PM2, PM3, PVS1

Fulgent Genetics
Classification: Pathogenic for Mutilating keratoderma; Autosomal dominant keratitis-ichthyosis-hearing loss syndrome; Palmoplantar keratoderma-deafness syndrome; Knuckle pads, deafness AND leukonychia syndrome; Autosomal recessive nonsyndromic hearing loss 1A; X-linked mixed hearing loss with perilymphatic gusher; Autosomal dominant nonsyndromic hearing loss 3A. Last evaluated: 2022-03-29. Review status: criteria provided, single submitter. Criteria: ACMG Guidelines, 2015. Collection method: clinical testing. Allele origin: unknown.

Labcorp Genetics (formerly Invitae), Labcorp
Classification: Pathogenic. Last evaluated: 2021-05-17. Review status: criteria provided, single submitter. Criteria: Invitae Variant Classification Sherloc (09022015). Collection method: clinical testing. Allele origin: germline.
Comment: This variant disrupts the p.Asn206 amino acid residue in GJB2. Other variant(s) that disrupt this residue have been observed in individuals with GJB2-related conditions (PMID: 12172394, 14985372, 15070423, 15967879), suggesting that it is a clinically significant residue. As a result, variants that disrupt this residue are likely to be causative of disease. For these reasons, this variant has been classified as Pathogenic. Experimental studies and prediction algorithms are not available for this variant, and the functional significance of the affected amino acid(s) is currently unknown. This sequence change results in a premature translational stop signal in the GJB2 gene (p.Val193Cysfs*3). While this is not anticipated to result in nonsense mediated decay, it is expected to disrupt the last 34 amino acids of the GJB2 protein. This variant is present in population databases (rs747847191, ExAC 0.002%). This variant has been observed in several individuals affected with non-syndromic hearing loss (PMID: 12497637, 20553101, 17666888).

Athena Diagnostics
Classification: Pathogenic. Last evaluated: 2020-02-21. Review status: criteria provided, single submitter. Criteria: Athena Diagnostics Criteria. Collection method: clinical testing. Allele origin: unknown.
Comment: The variant results in a shift of the reading frame, and is therefore predicted to result in the loss of a functional protein. Found in at least one patient with expected phenotype for this gene, and found in general population data at a frequency that is consistent with pathogenicity.

Literature cited by the submitters: PubMed 12497637 (cited by 4 submitters); PubMed 17666888 (cited by 4 submitters); PubMed 20553101 (cited by 4 submitters); PubMed 38868966 (cited by Myriad Genetics, Inc.); PubMed 12172394 (cited by Labcorp Genetics (formerly Invitae), Labcorp); PubMed 14985372 (cited by Labcorp Genetics (formerly Invitae), Labcorp); PubMed 15070423 (cited by Labcorp Genetics (formerly Invitae), Labcorp); PubMed 15967879 (cited by Labcorp Genetics (formerly Invitae), Labcorp).